The following is an entry in ClinVar:

ClinVar aggregate classification (germline): Uncertain significance (1 of 4 stars; one submission).

Conditions:
Hereditary cancer-predisposing syndrome. Also called: Tumor predisposition; Hereditary neoplastic syndrome; Hereditary Cancer Syndrome; Neoplastic Syndromes, Hereditary. Identifiers: Orphanet 140162, MedGen C0027672, MeSH D009386, MONDO:0015356.

Submission:

Ambry Genetics
Classification: Uncertain significance for Hereditary cancer-predisposing syndrome. Last evaluated: 2024-03-12. Review status: criteria provided, single submitter. Criteria: Ambry Variant Classification Scheme 2023. Collection method: clinical testing. Allele origin: germline.
Comment: The p.M681I variant (also known as c.2043G>C), located in coding exon 16 of the BAP1 gene, results from a G to C substitution at nucleotide position 2043. The methionine at codon 681 is replaced by isoleucine, an amino acid with highly similar properties. This amino acid position is conserved. In addition, the in silico prediction for this alteration is inconclusive. Based on the available evidence, the clinical significance of this alteration remains unclear.

NM_004656.4(BAP1):c.2043G>C (p.Met681Ile)

Gene: BAP1 (BRCA1 associated deubiquitinase 1; minus strand). Cytogenetic location: 3p21.1.
Variant type: single nucleotide variant.
Coding change: c.2043G>C on transcript NM_004656.4 (MANE Select); coding-DNA position 2043, G replaced by C.
Protein change: p.Met681Ile; replaces methionine 681 with isoleucine.
Molecular consequence: missense variant.
Genome position (GRCh38, 1-based): chr3:52,402,615, C>G on the plus strand (G>C on the coding strand, the complement: BAP1 is on the minus strand). VCF-style: chr3-52402615-C-G. GRCh37 (hg19) VCF-style: chr3-52436631-C-G.
Other names: c.1989G>C, p.Met663Ile (NM_001410772.1); short protein forms M663I, M681I.
Identifiers: ClinVar variation 3224452 (VCV003224452.1), dbSNP rs2153226186, ClinGen allele CA353096159.
Genomic context (GRCh38, chr3:52,402,615, plus strand): 5'-GGCCCTCAGCAGGGCATTCCAGTTAAGACAGCAGCGCATCCCCTCACCTTCCTGAGCCAG[C>G]ATGGAGATAAAGGTGCAGATGAACTCATCGTAGTTGTGGGTCCTTCTCTGGTCATCAATC-3'
Protein context (NP_004647.1, residues 671-691): YDEFICTFIS[Met681Ile]LAQEGMLANL